The following continues an entry in ClinVar:

NM_001042492.3(NF1):c.5488C>T (p.Arg1830Cys)

Gene: NF1. ClinVar aggregate classification (germline): Pathogenic. Pathogenic (33).

Submissions 22 to 37 of 37:

Greenwood Genetic Center Diagnostic Laboratories, Greenwood Genetic Center
Classification: Pathogenic for Neurofibromatosis-Noonan syndrome. Last evaluated: 2021-04-27. Review status: criteria provided, single submitter. Criteria: ACMG Guidelines, 2015. Collection method: clinical testing. Allele origin: germline. Affected: yes.
Comment: PS4, PP2, PP3, PM2, PS3_Moderate, PM5, PM6

Genome Diagnostics Laboratory, The Hospital for Sick Children
Classification: Pathogenic for Neurofibromatosis, type 1. Last evaluated: 2020-10-26. Review status: criteria provided, single submitter. Criteria: ACMG Guidelines, 2015. Collection method: clinical testing. Allele origin: germline. Affected: yes.

Diagnostic Laboratory, Strasbourg University Hospital
Classification: Pathogenic for Intellectual disability. Last evaluated: 2020-04-20. Review status: criteria provided, single submitter. Criteria: ACMG Guidelines, 2015. Collection method: clinical testing. Allele origin: de novo. Inheritance: Autosomal dominant inheritance. Affected: yes. Observed: 1 heterozygote.

GeneDx
Classification: Pathogenic. Last evaluated: 2020-01-02. Review status: criteria provided, single submitter. Criteria: GeneDx Variant Classification Process June 2021. Collection method: clinical testing. Allele origin: germline. Affected: yes.
Comment: p.Arg1809 missense variants account for approximately 1% of individuals with neurofibromatosis type 1 (Rojnueangnit et al., 2015); Not observed in large population cohorts (gnomAD); In silico analysis supports that this missense variant has a deleterious effect on protein structure/function; This variant is associated with the following publications: (PMID: 27322474, 12807981, 26457592, 25533962, 27171602, 28135719, 19120036, 24789688, 28191890, 29522274, 18183640, 24357598, 26178382, 31730495, 31717729, 31370276, 32107864, 33482836, 32427313, 31785789, 25966637, 25370043)

Women's Health and Genetics/Laboratory Corporation of America, LabCorp
Classification: Pathogenic for Neurofibromatosis, type 1. Last evaluated: 2019-07-31. Review status: criteria provided, single submitter. Criteria: LabCorp Variant Classification Summary - May 2015. Collection method: clinical testing. Allele origin: germline.
Comment: Variant summary: NF1 c.5425C>T (p.Arg1809Cys) results in a non-conservative amino acid change in the encoded protein sequence. Five of five in-silico tools predict a damaging effect of the variant on protein function. The variant was absent in 251906 control chromosomes (gnomAD and publication). c.5425C>T has been reported in the literature in multiple individuals affected with Neurofibromatosis Type 1 (NF1) (Syrbe_2007, Ekvall_2013, Pinna_2015) and Neurofibromatosis-Noonan Syndrome (NFNS) (Ekvall_2013). Authors indicate the variant to cause a mild form presenting with cafe au lait spots with or without freckling or Lisch nodules and no neurofibromas. In addition, one family showed lack of segregation with disease (Nystrom_2008). These data indicate that the variant is very likely to be associated with disease. A functional study, Wallis_2018, found the variant to lower GTP-RAS levels similar to the wild-type protein, but was unable to repress p-ERK/ERK and ELK1 transcriptional activity. Four ClinVar submissions (evaluation after 2014) cite the variant as pathogenic. Based on the evidence outlined above, the variant was classified as pathogenic.

Center for Genomics, Ann and Robert H. Lurie Children's Hospital of Chicago
Classification: Pathogenic for Neurofibromatosis, familial spinal; Neurofibromatosis, type 1; Neurofibromatosis-Noonan syndrome; Café-au-lait macules with pulmonary stenosis. Last evaluated: 2019-06-26. Review status: criteria provided, single submitter. Criteria: ACMG Guidelines, 2015. Collection method: clinical testing. Allele origin: germline.
Comment: NF1 NM_000267.3 exon 37 p.Arg1809Cys (c.5425C>T): This variant has been reported in the literature in several individuals with multiple cafe-au-lait spots, some who also presented with features consistent with Noonan syndrome (such as dysmorphic facies and mild intellectual disability), but none with neurofibromas or typical osseous lesions consistent with NF1 (Ekvall 2014 PMID:24357598, Xu 2014 PMID:24789688, Fitzgerald 2015 PMID:25533962, Pinna 2015 PMID:25370043, Rojneuangnit 2015 PMID:26178382, Santoro 2015 PMID:25966637). Therefore, this variant is suggested to be associated with a mild/atypical neurofibromatosis phenotype. This variant has also been reported multiple times in the LOVD NF1 database. This variant is not present in large control databases but is present in ClinVar, with several labs classifying this variant as pathogenic (Variation ID:208853). Evolutionary conservation and computational predictive tools suggest that this variant may impact the protein. In addition, functional studies have demonstrated decreased GTP-RAS levels with this variant (Wallis 2018 PMID:29522274). However, these studies may not accurately represent in vivo biological function. Several additional variants at the same amino acid residue (Arg1809Gly, Arg1809Ser, Arg1809Pro, Arg1809Leu) have been reported in individuals with mild neurofibromatosis type 1, further supporting the functional relevance of this codon. In summary, this variant is classified as pathogenic based on the data above.

ARUP Laboratories, Molecular Genetics and Genomics, ARUP Laboratories
Classification: Pathogenic. Last evaluated: 2019-04-01. Review status: criteria provided, single submitter. Criteria: ARUP Molecular Germline Variant Investigation Process. Collection method: clinical testing. Allele origin: germline.
Comment: The NF1 c.5488C>T;p.Arg1830Cys variant (also known as c.5425C>T;p.Arg1809Cys) is published in the medical literature in multiple individuals and families with neurofibromatosis type-1, described as mild or atypical as many do not exhibit Lisch nodules and no individuals were described with cutaneous or plexiform neurofibromas, NF1 osseous lesions or symptomatic optic gliomas (Ekvall 2014, Pinna 2015, Rojnueagnit 2015, Santoro 2015). Additionally, other variants in this codon are also associated with a mild or atypical NF1 (Rojnueagnit 2015, Santoro 2015). The c.5488C>T variant is listed in the ClinVar database (Variation ID: 208853) and the dbSNP variant database (rs797045139), but is not listed in the general population-based databases (Exome Variant Server, Genome Aggregation Database). The arginine at this position is well conserved across species and computational algorithms (AlignGVGD, PolyPhen2, SIFT) predict this variant is deleterious. Considering available information, this variant is classified as pathogenic and predicted to produce an atypical phenotype. References: Ekvall S et al. Novel association of neurofibromatosis type 1-causing mutations in families with neurofibromatosis-Noonan syndrome. Am J Med Genet A. 2014 Mar;164A(3):579-87. Pinna V et al. p.Arg1809Cys substitution in neurofibromin is associated with a distinctive NF1 phenotype without neurofibromas. Eur J Hum Genet. 2015 Aug;23(8):1068-71. Rojnueangnit K et al. High Incidence of Noonan Syndrome Features Including Short Stature and Pulmonic Stenosis in Patients carrying NF1 Missense Mutations Affecting p.Arg1809: Genotype-Phenotype Correlation. Hum Mutat. 2015 Nov;36(11):1052-63. Santoro C et al. Arg(1809) substitution in neurofibromin: further evidence of a genotype-phenotype correlation in neurofibromatosis type 1. Eur J Hum Genet. 2015 Nov;23(11):1460-1.

Laboratory for Molecular Medicine, Mass General Brigham Personalized Medicine
Classification: Pathogenic for Neurofibromatosis, type 1. Last evaluated: 2017-07-24. Review status: criteria provided, single submitter. Criteria: ACMG Guidelines, 2015. Collection method: clinical testing. Allele origin: germline. Inheritance: Autosomal dominant inheritance.
Comment: The p.Arg1830Cys (also referred to as p.Arg1809Cys on NM_000267.3) variant in NF1 has been reported in >80 probands with clinical features of neurofibromatosis type 1 (NF1) or Noonan syndrome-NF1 syndrome and segregated with disease in >40 relatives (Ars 2003, Nystrom 2008, Ekvall 2014, Rojnueangnit 2015, Pinna 2015, Santoro 2015). Most patients with this variant have a milder form of NF1, with skin abnormalities but no neurofibromas or tumors aside from lipomas in some individuals. In some families, however, cafe au lait spots were present in relatives who did not have the variant (Nystrom 2008, Rojnueangnit 2015). This variant has also been reported in ClinVar (Variation ID# 208853). Computational prediction tools and conservation analysis suggest that the p.Arg1830Cys variant may impact the protein. In summary, this variant meets criteria to be classified as pathogenic for NF1 in an autosomal dominant manner but is expected to result in a milder phenotype.

Center for Human Genetics, Inc
Classification: Pathogenic for Neurofibromatosis, type 1. Last evaluated: 2016-11-01. Review status: criteria provided, single submitter. Criteria: ACMG Guidelines, 2015. Collection method: clinical testing. Allele origin: germline. Affected: yes.

Center for Genomics, Ann and Robert H. Lurie Children's Hospital of Chicago
Classification: Pathogenic for Café-au-lait macules with pulmonary stenosis; Juvenile myelomonocytic leukemia; Neurofibromatosis, familial spinal; Neurofibromatosis, type 1; Neurofibromatosis-Noonan syndrome. Review status: criteria provided, single submitter. Criteria: ACMG Guidelines, 2015. Collection method: clinical testing. Allele origin: germline.
Comment: the same text as in the submission from Center for Genomics, Ann and Robert H. Lurie Children's Hospital of Chicago above.

Centre de Biologie Pathologie Génétique, Centre Hospitalier Universitaire de Lille
Classification: Pathogenic for Neurodevelopmental delay. Review status: criteria provided, single submitter. Criteria: ACMG Guidelines, 2015. Collection method: clinical testing. Allele origin: de novo. Affected: yes.

Clinical Genetics Service, Universitary Hospital 12 de Octubre
Classification: Pathogenic for Neurofibromatosis-Noonan syndrome; Neurofibromatosis, type 1. Review status: criteria provided, single submitter. Criteria: ACMG Guidelines, 2015. Collection method: clinical testing. Allele origin: germline. Affected: yes.

Clinical Genetics DNA and cytogenetics Diagnostics Lab, Erasmus MC, Erasmus Medical Center
Classification: Pathogenic. Review status: no assertion criteria provided. Collection method: clinical testing. Allele origin: germline. Affected: yes. Study: VKGL Data-share Consensus. Not counted in ClinVar's aggregate classification.

GeneReviews
No classification provided. Condition: Neurofibromatosis, type 1. Review status: no classification provided. Collection method: literature only. Allele origin: germline. Not counted in ClinVar's aggregate classification.

Joint Genome Diagnostic Labs from Nijmegen and Maastricht, Radboudumc and MUMC+
Classification: Pathogenic. Review status: no assertion criteria provided. Collection method: clinical testing. Allele origin: germline. Affected: yes. Study: VKGL Data-share Consensus. Not counted in ClinVar's aggregate classification.

UAB Medical Genomics Laboratory, UAB Medicine
Classification: Pathogenic for Neurofibromatosis, type 1. Review status: no assertion criteria provided. Collection method: clinical testing. Allele origin: unknown, de novo, germline. Affected: yes. Observed: 107 variant alleles. Not counted in ClinVar's aggregate classification.

Literature cited by the submitters: PubMed 26178382 (cited by 8 submitters); PubMed 12807981 (cited by 5 submitters); PubMed 25370043 (cited by 7 submitters); PubMed 25966637 (cited by 5 submitters); PubMed 27838393 (cited by Myriad Genetics, Inc.); PubMed 40759488 (cited by Myriad Genetics, Inc.); PubMed 19120036 (cited by 6 submitters); PubMed 27322474 (cited by Myriad Genetics, Inc.); PubMed 24357598 (cited by 9 submitters); PubMed 24789688 (cited by 3 submitters); PubMed 31717729 (cited by Division of Genetic & Genomic Pathology, Hong Kong Children's Hospital); PubMed 32107864 (cited by Division of Genetic & Genomic Pathology, Hong Kong Children's Hospital); PubMed 37272364 (cited by Division of Genetic & Genomic Pathology, Hong Kong Children's Hospital); PubMed 18183640 (cited by 3billion and Women's Health and Genetics/Laboratory Corporation of America, LabCorp); PubMed 16944272 (cited by 3billion); PubMed 36404348 (cited by New York Genome Center); PubMed 25533962 (cited by Ambry Genetics); PubMed 26706011 (cited by Ambry Genetics); PubMed 26740943 (cited by Ambry Genetics); PubMed 29522274 (cited by Ambry Genetics and Women's Health and Genetics/Laboratory Corporation of America, LabCorp); PubMed 20301288 (cited by Victorian Clinical Genetics Services, Murdoch Childrens Research Institute); NCBI Bookshelf NBK1109 (cited by GeneReviews).